The following is an entry in ClinVar:

NM_001943.5(DSG2):c.2090A>G (p.Lys697Arg)

Genes: DSG2 (desmoglein 2; plus strand), DSG2-AS1 (DSG2 antisense RNA 1; minus strand). Cytogenetic location: 18q12.1.
Variant type: single nucleotide variant.
Coding change: c.2090A>G on transcript NM_001943.5 (MANE Select); coding-DNA position 2090, A replaced by G.
Protein change: p.Lys697Arg; replaces lysine 697 with arginine.
Molecular consequence: missense variant.
Genome position (GRCh38, 1-based): chr18:31,542,608, A>G. VCF-style: chr18-31542608-A-G. GRCh37 (hg19) VCF-style: chr18-29122571-A-G.
Other names: short protein forms K697R.
Identifiers: ClinVar variation 1303445 (VCV001303445.2), dbSNP rs2144353103, ClinGen allele CA402141600.

ClinVar aggregate classification (germline): Uncertain significance (1 of 4 stars; one submission).

Submission:

GeneDx
Classification: Uncertain significance. Last evaluated: 2020-02-27. Review status: criteria provided, single submitter. Criteria: GeneDx Variant Classification Process June 2021. Collection method: clinical testing. Allele origin: germline. Affected: yes.
Comment: Has not been previously published as pathogenic or benign to our knowledge; Not observed in large population cohorts (Lek et al., 2016); In silico analysis supports that this missense variant does not alter protein structure/function